The following is an entry in ClinVar:

NM_178857.6(RP1L1):c.2146T>C (p.Ser716Pro)

Gene: RP1L1 (RP1 like 1). Cytogenetic location: 8p23.1.
Variant type: single nucleotide variant.
Coding change: c.2146T>C on transcript NM_178857.6 (MANE Select); coding-DNA position 2146, T replaced by C.
Protein change: p.Ser716Pro; replaces serine 716 with proline.
Molecular consequence: missense variant.
Genome position (GRCh38, 1-based): chr8:10,611,952, A>G on the plus strand (T>C on the coding strand, the complement: RP1L1 is on the minus strand). VCF-style: chr8-10611952-A-G. GRCh37 (hg19) VCF-style: chr8-10469462-A-G.
Other names: short protein forms S716P.
Identifiers: ClinVar variation 1313714 (VCV001313714.6), dbSNP rs200833270, ClinGen allele CA4624930.

ClinVar aggregate classification (germline): Uncertain significance. Review status: criteria provided, multiple submitters, no conflicts (2 of 4 stars). 4 submissions from 4 submitters: Uncertain significance (4). Last evaluated 2025-07-28.

Conditions:
RP1L1-related disorder. Also called: RP1L1-related condition.
Inborn genetic diseases. Identifiers: MedGen C0950123, MeSH D030342.

Allele frequency attached by ClinVar (database versions not stated): gnomAD exomes 0.00003 and 0.00004; ExAC 0.00004; gnomAD 0.00006; TOPMed 0.00007.

Submissions (4):

PreventionGenetics, part of Exact Sciences
Classification: Uncertain significance for RP1L1-related condition. Last evaluated: 2025-07-28. Review status: criteria provided, single submitter. Criteria: ACMG Guidelines, 2015. Collection method: clinical testing. Allele origin: germline.
Comment: The RP1L1 c.2146T>C variant is predicted to result in the amino acid substitution p.Ser716Pro. To our knowledge, this variant has not been reported in the literature. This variant is reported in 0.0070% of alleles in individuals of European (Non-Finnish) descent in gnomAD. At this time, the clinical significance of this variant is uncertain due to the absence of conclusive functional and genetic evidence.

Blueprint Genetics
Classification: Uncertain significance. Last evaluated: 2024-08-21. Review status: criteria provided, single submitter. Criteria: ACMG Guidelines, 2015. Collection method: clinical testing. Allele origin: germline.

Ambry Genetics
Classification: Uncertain significance for Inborn genetic diseases. Last evaluated: 2023-04-18. Review status: criteria provided, single submitter. Criteria: Ambry Variant Classification Scheme 2023. Collection method: clinical testing. Allele origin: germline.

GeneDx
Classification: Uncertain significance. Last evaluated: 2020-02-02. Review status: criteria provided, single submitter. Criteria: GeneDx Variant Classification Process June 2021. Collection method: clinical testing. Allele origin: germline. Affected: yes.
Comment: In silico analysis supports that this missense variant does not alter protein structure/function; Has not been previously published as pathogenic or benign to our knowledge